The following is an entry in ClinVar:

ClinVar aggregate classification (germline): Likely pathogenic (0 of 4 stars; one submission).

Conditions:
RBM10-related disorder. Also called: RBM10-related condition.

Submissions (3):

PreventionGenetics, part of Exact Sciences
Classification: Likely pathogenic for RBM10-related condition. Last evaluated: 2023-12-19. Review status: no assertion criteria provided. Collection method: clinical testing. Allele origin: germline.
Comment: The RBM10 c.2430+1G>A variant is predicted to disrupt the GT donor site and interfere with normal splicing. To our knowledge, this variant has not been reported in the literature or in a large population database, indicating this variant is rare. Variants that disrupt the consensus splice donor site in RBM10 are expected to be pathogenic. Loss of function variants, including splice sites variants, have been reported upstream and downstream of this variant, providing further evidence of pathogenicity for this variant. This variant is interpreted as likely pathogenic.

Dr. Peter K. Rogan Lab, Western University
No classification provided (evidence only). Condition: Malignant tumor of urinary bladder. Review status: no classification provided. Collection method: in vitro. Allele origin: not applicable. Functional consequence: retained intron. Not counted in ClinVar's aggregate classification.

Dr. Peter K. Rogan Lab, Western University
No classification provided (evidence only). Condition: Nonpapillary renal cell carcinoma. Review status: no classification provided. Collection method: in vitro. Allele origin: not applicable. Functional consequence: retained intron. Not counted in ClinVar's aggregate classification.

NM_005676.5(RBM10):c.2430+1G>A

Gene: RBM10 (RNA binding motif protein 10; plus strand). Cytogenetic location: Xp11.3.
Variant type: single nucleotide variant.
Coding change: c.2430+1G>A on transcript NM_005676.5 (MANE Select); the canonical splice donor site of the intron after coding-DNA position 2430, G replaced by A.
Molecular consequence: splice donor variant.
Genome position (GRCh38, 1-based): chrX:47,185,791, G>A. VCF-style: chrX-47185791-G-A. GRCh37 (hg19) VCF-style: chrX-47045190-G-A.
Other names: NC_000023.10:g.47045190G>A; c.2625+1G>A (NM_001204468.2); c.2427+1G>A (NM_001204467.2); c.2199+1G>A (NM_001204466.2); c.2196+1G>A (NM_152856.3).
Identifiers: ClinVar variation 2629534 (VCV002629534.4), dbSNP rs2147220533, ClinGen allele CA412808813.